The following is an entry in ClinVar:

ClinVar aggregate classification (germline): Conflicting classifications of pathogenicity. Review status: criteria provided, conflicting classifications (1 of 4 stars). 3 submissions from 3 submitters: Likely pathogenic (2); Uncertain significance (1). Last evaluated 2026-04-04.

Conditions:
Distal myopathy with posterior leg and anterior hand involvement. Also called: WILLIAMS DISTAL MYOPATHY. Identifiers: Orphanet 63273, MedGen C3279722, MONDO:0013550, OMIM 614065.
Myofibrillar myopathy 5. Also called: Filaminopathy (type); FILAMINOPATHY, AUTOSOMAL DOMINANT. Identifiers: Orphanet 171445, MedGen C1836050, MONDO:0012289, OMIM 609524.
Hypertrophic cardiomyopathy 26. Also called: Cardiomyopathy, familial hypertrophic, 26. Identifiers: Orphanet 75249, MedGen C4310749, MONDO:0014883, OMIM 617047.
Cardiovascular phenotype. Identifiers: MedGen CN230736.

Submissions (3):

GeneDx
Classification: Likely pathogenic. Last evaluated: 2026-04-04. Review status: criteria provided, single submitter. Criteria: GeneDx Variant Classification Process June 2021. Collection method: clinical testing. Allele origin: germline.
Comment: Canonical splice site variant predicted to result in an in-frame loss of the adjacent exon in a gene for which loss of function is a known mechanism of disease; Not observed at significant frequency in large population cohorts (gnomAD); Has not been previously published as pathogenic or benign to our knowledge; This variant is associated with the following publications: (PMID: 16199547, 27908349)

Ambry Genetics
Classification: Uncertain significance for Cardiovascular phenotype. Last evaluated: 2024-12-20. Review status: criteria provided, single submitter. Criteria: Ambry Variant Classification Scheme 2023. Collection method: clinical testing. Allele origin: germline.
Comment: The c.4951+2T>C intronic variant results from a T to C substitution two nucleotide after coding exon 29 of the FLNC gene. This nucleotide position is highly conserved in available vertebrate species. In silico splice site analysis predicts that this alteration will weaken the native splice donor site. Alterations that disrupt the canonical splice site are expected to cause aberrant splicing, resulting in an abnormal protein or a transcript that is subject to nonsense-mediated mRNA decay; however, +2T>C alterations are capable of generating wild-type transcripts in some genomic contexts and should be interpreted with caution (Lin JH et al. Hum Mutat. 2019 10;40:1856-1873). Based on the available evidence, the clinical significance of this alteration remains unclear.

Labcorp Genetics (formerly Invitae), Labcorp
Classification: Likely pathogenic for Distal myopathy with posterior leg and anterior hand involvement; Myofibrillar myopathy 5; Hypertrophic cardiomyopathy 26. Last evaluated: 2024-09-06. Review status: criteria provided, single submitter. Criteria: Invitae Variant Classification Sherloc (09022015). Collection method: clinical testing. Allele origin: germline.
Comment: This sequence change affects a donor splice site in intron 29 of the FLNC gene. It is expected to disrupt RNA splicing. Variants that disrupt the donor or acceptor splice site typically lead to a loss of protein function (PMID: 16199547), and loss-of-function variants in FLNC are known to be pathogenic (PMID: 27908349). This variant is not present in population databases (gnomAD no frequency). This variant has not been reported in the literature in individuals affected with FLNC-related conditions. ClinVar contains an entry for this variant (Variation ID: 1499449). Algorithms developed to predict the effect of sequence changes on RNA splicing suggest that this variant may disrupt the consensus splice site. In summary, the currently available evidence indicates that the variant is pathogenic, but additional data are needed to prove that conclusively. Therefore, this variant has been classified as Likely Pathogenic.

Literature cited by the submitters: PubMed 16199547 (cited by Labcorp Genetics (formerly Invitae), Labcorp); PubMed 27908349 (cited by Labcorp Genetics (formerly Invitae), Labcorp).

NM_001458.5(FLNC):c.4951+2T>C

Gene: FLNC (filamin C; plus strand). Cytogenetic location: 7q32.1.
Variant type: single nucleotide variant.
Coding change: c.4951+2T>C on transcript NM_001458.5 (MANE Select); the canonical splice donor site of the intron after coding-DNA position 4951, T replaced by C.
Molecular consequence: splice donor variant.
Genome position (GRCh38, 1-based): chr7:128,849,206, T>C. VCF-style: chr7-128849206-T-C. GRCh37 (hg19) VCF-style: chr7-128489260-T-C.
Other names: c.4951+2T>C (NM_001127487.2).
Identifiers: ClinVar variation 1499449 (VCV001499449.12), dbSNP rs1585164316, ClinGen allele CA369203833.